The following is an entry in ClinVar:

NM_014874.4(MFN2):c.1445G>A (p.Cys482Tyr)

Gene: MFN2 (mitofusin 2; plus strand). Cytogenetic location: 1p36.22.
Variant type: single nucleotide variant.
Coding change: c.1445G>A on transcript NM_014874.4 (MANE Select); coding-DNA position 1445, G replaced by A.
Protein change: p.Cys482Tyr; replaces cysteine 482 with tyrosine.
Molecular consequence: missense variant.
Genome position (GRCh38, 1-based): chr1:12,004,877, G>A. VCF-style: chr1-12004877-G-A. GRCh37 (hg19) VCF-style: chr1-12064934-G-A.
Other names: c.1445G>A, p.Cys482Tyr (NM_001127660.2); short protein forms C482Y.
Identifiers: ClinVar variation 3686108 (VCV003686108.3).

ClinVar aggregate classification (germline): Uncertain significance. Review status: criteria provided, multiple submitters, no conflicts (2 of 4 stars). 2 submissions from 2 submitters: Uncertain significance (2). Last evaluated 2025-10-08.

Conditions:
Charcot-Marie-Tooth disease type 2. Also called: Charcot-Marie-Tooth type 2. Identifiers: Orphanet 64746, MedGen C0270914, MONDO:0018993.

Submissions (2):

Athena Diagnostics
Classification: Uncertain significance. Last evaluated: 2025-10-08. Review status: criteria provided, single submitter. Criteria: Athena Diagnostics Criteria. Collection method: clinical testing. Allele origin: unknown.
Comment: Available data are insufficient to determine the clinical significance of the variant at this time. This variant has not been reported in large, multi-ethnic general populations. Polyphen and MutationTaster predict this amino acid change may be damaging to the protein.

Labcorp Genetics (formerly Invitae), Labcorp
Classification: Uncertain significance for Charcot-Marie-Tooth disease type 2. Last evaluated: 2025-03-27. Review status: criteria provided, single submitter. Criteria: Invitae Variant Classification Sherloc (09022015). Collection method: clinical testing. Allele origin: germline.
Comment: This sequence change replaces cysteine, which is neutral and slightly polar, with tyrosine, which is neutral and polar, at codon 482 of the MFN2 protein (p.Cys482Tyr). This variant is not present in population databases (gnomAD no frequency). This variant has not been reported in the literature in individuals affected with MFN2-related conditions. Invitae Evidence Modeling of protein sequence and biophysical properties (such as structural, functional, and spatial information, amino acid conservation, physicochemical variation, residue mobility, and thermodynamic stability) indicates that this missense variant is expected to disrupt MFN2 protein function with a positive predictive value of 95%. In summary, the available evidence is currently insufficient to determine the role of this variant in disease. Therefore, it has been classified as a Variant of Uncertain Significance.